The following is an entry in ClinVar:

NM_005228.5(EGFR):c.2270A>G (p.Lys757Arg)

Gene: EGFR (epidermal growth factor receptor; plus strand). Cytogenetic location: 7p11.2.
Variant type: single nucleotide variant.
Coding change: c.2270A>G on transcript NM_005228.5 (MANE Select); coding-DNA position 2270, A replaced by G.
Protein change: p.Lys757Arg; replaces lysine 757 with arginine.
Molecular consequence: missense variant.
Genome position (GRCh38, 1-based): chr7:55,174,807, A>G. VCF-style: chr7-55174807-A-G. GRCh37 (hg19) VCF-style: chr7-55242500-A-G.
Other names: c.2135A>G, p.Lys712Arg (NM_001346897.2, NM_001346899.2); c.2270A>G, p.Lys757Arg (NM_001346898.2); c.2111A>G, p.Lys704Arg (NM_001346900.2); c.1469A>G, p.Lys490Arg (NM_001346941.2); c.2270A>G (NM_005228.3); short protein forms K757R, K704R, K712R, K490R.
Identifiers: ClinVar variation 560009 (VCV000560009.13), dbSNP rs397517102, ClinGen allele CA4266023.

ClinVar aggregate classification (germline): Conflicting classifications of pathogenicity. Review status: criteria provided, conflicting classifications (1 of 4 stars). 3 submissions from 3 submitters: Uncertain significance (1); Likely benign (1). 1 of the submissions does not count toward it. Last evaluated 2026-02-03.

Conditions:
Hereditary cancer-predisposing syndrome. Also called: Hereditary neoplastic syndrome; Neoplastic Syndromes, Hereditary; Tumor predisposition; Hereditary Cancer Syndrome. Identifiers: Orphanet 140162, MedGen C0027672, MeSH D009386, MONDO:0015356.
Lung adenocarcinoma. Also called: Adenocarcinoma of lung, somatic; Adenocarcinoma of lung. Identifiers: MedGen C0152013, MeSH D000077192, MONDO:0005061, HP:0030078.
EGFR-related lung cancer (EGFR). Identifiers: MedGen CN130014.

Allele frequency attached by ClinVar (database versions not stated): ExAC 0.00001; gnomAD exomes 0.00001 and 0.00002; TOPMed 0.00001.
gnomAD v4.1: 9 of 1,613,990 alleles (0.00056%); highest among the groups gnomAD compares: East Asian, 0.018%; no homozygotes.

Submissions (3):

Labcorp Genetics (formerly Invitae), Labcorp
Classification: Uncertain significance for EGFR-related lung cancer. Last evaluated: 2026-02-03. Review status: criteria provided, single submitter. Criteria: Invitae Variant Classification Sherloc (09022015). Collection method: clinical testing. Allele origin: germline.
Comment: This sequence change replaces lysine, which is basic and polar, with arginine, which is basic and polar, at codon 757 of the EGFR protein (p.Lys757Arg). This variant is present in population databases (rs397517102, gnomAD 0.03%). This missense change has been observed in individual(s) with lung cancer (PMID: 30610926). ClinVar contains an entry for this variant (Variation ID: 560009). Invitae Evidence Modeling of protein sequence and biophysical properties (such as structural, functional, and spatial information, amino acid conservation, physicochemical variation, residue mobility, and thermodynamic stability) indicates that this missense variant is not expected to disrupt EGFR protein function with a negative predictive value of 80%. In summary, the available evidence is currently insufficient to determine the role of this variant in disease. Therefore, it has been classified as a Variant of Uncertain Significance.

Ambry Genetics
Classification: Likely benign for Hereditary cancer-predisposing syndrome. Last evaluated: 2024-08-23. Review status: criteria provided, single submitter. Criteria: Ambry Variant Classification Scheme 2023. Collection method: clinical testing. Allele origin: germline.

3DMed Clinical Laboratory Inc
Classification: Uncertain significance for Lung adenocarcinoma. Last evaluated: 2018-03-30. Review status: no assertion criteria provided. Criteria: ACMG Guidelines, 2015. Collection method: clinical testing. Allele origin: germline. Affected: yes. Not counted in ClinVar's aggregate classification.

Literature cited by the submitters: PubMed 30610926 (cited by Labcorp Genetics (formerly Invitae), Labcorp).